The following is an entry in ClinVar:

ClinVar aggregate classification (germline): Uncertain significance. Review status: criteria provided, multiple submitters, no conflicts (2 of 4 stars). 2 submissions from 2 submitters: Uncertain significance (2). Last evaluated 2024-08-19.

Conditions:
Cardiovascular phenotype. Identifiers: MedGen CN230736.

Allele frequency attached by ClinVar (database versions not stated): ExAC 0.00001; gnomAD 0.00001; TOPMed 0.00001.

Submissions (2):

Ambry Genetics
Classification: Uncertain significance for Cardiovascular phenotype. Last evaluated: 2024-08-19. Review status: criteria provided, single submitter. Criteria: Ambry Variant Classification Scheme 2023. Collection method: clinical testing. Allele origin: germline.
Comment: The p.A19V variant (also known as c.56C>T), located in coding exon 1 of the LAMA4 gene, results from a C to T substitution at nucleotide position 56. The alanine at codon 19 is replaced by valine, an amino acid with similar properties. This amino acid position is conserved. In addition, this alteration is predicted to be tolerated by in silico analysis. Based on the available evidence, the clinical significance of this variant remains unclear.

GeneDx
Classification: Uncertain significance. Last evaluated: 2022-12-07. Review status: criteria provided, single submitter. Criteria: GeneDx Variant Classification Process June 2021. Collection method: clinical testing. Allele origin: germline. Affected: yes.
Comment: Has not been previously published as pathogenic or benign to our knowledge; Not observed at significant frequency in large population cohorts (gnomAD); In silico analysis supports that this missense variant has a deleterious effect on protein structure/function

NM_001105206.3(LAMA4):c.56C>T (p.Ala19Val)

Genes: LAMA4 (laminin subunit alpha 4; minus strand), LAMA4-AS1 (LAMA4 antisense RNA 1; plus strand). Cytogenetic location: 6q21.
Variant type: single nucleotide variant.
Coding change: c.56C>T on transcript NM_001105206.3 (MANE Select); coding-DNA position 56, C replaced by T.
Protein change: p.Ala19Val; replaces alanine 19 with valine.
Molecular consequence: missense variant.
Genome position (GRCh38, 1-based): chr6:112,254,095, G>A on the plus strand (C>T on the coding strand, the complement: LAMA4 is on the minus strand). VCF-style: chr6-112254095-G-A. GRCh37 (hg19) VCF-style: chr6-112575297-G-A.
Other names: c.56C>T, p.Ala19Val (NM_001105209.3, NM_002290.5, NM_001105207.3 and 1 more transcripts); short protein forms A19V.
Identifiers: ClinVar variation 2504904 (VCV002504904.2), dbSNP rs782514744, ClinGen allele CA3966350.